The following is an entry in ClinVar:

NM_002242.4(KCNJ13):c.292A>G (p.Ile98Val)

Genes: GIGYF2 (GRB10 interacting GYF protein 2; plus strand), KCNJ13 (potassium inwardly rectifying channel subfamily J member 13; minus strand). Cytogenetic location: 2q37.1.
Variant type: single nucleotide variant.
Coding change: c.292A>G on transcript NM_002242.4 (MANE Select); coding-DNA position 292, A replaced by G.
Protein change: p.Ile98Val; replaces isoleucine 98 with valine.
Molecular consequence: missense variant. On other transcripts: intron variant (5).
Genome position (GRCh38, 1-based): chr2:232,771,071, T>C on the plus strand (A>G on the coding strand, the complement: KCNJ13 is on the minus strand). VCF-style: chr2-232771071-T-C. GRCh37 (hg19) VCF-style: chr2-233635781-T-C.
Other names: c.52A>G, p.Ile18Val (NM_001172417.1); c.532+9635T>C (NM_001103146.3, NM_015575.4, NM_001103148.2); c.533-5341T>C (NM_001103147.2); c.224+68A>G (NM_001172416.1); short protein forms I98V, I18V.
Identifiers: ClinVar variation 1473727 (VCV001473727.7), dbSNP rs760027526, ClinGen allele CA2170064.

ClinVar aggregate classification (germline): Uncertain significance. Review status: criteria provided, multiple submitters, no conflicts (2 of 4 stars). 2 submissions from 2 submitters: Uncertain significance (2). Last evaluated 2022-07-08.

Allele frequency attached by ClinVar (database versions not stated): gnomAD 0.00001.
gnomAD v4.1: 20 of 1,613,976 alleles (0.0012%); highest among the groups gnomAD compares: South Asian, 0.022%; no homozygotes.

Submissions (2):

Blueprint Genetics
Classification: Uncertain significance. Last evaluated: 2022-07-08. Review status: criteria provided, single submitter. Criteria: ACMG Guidelines, 2015. Collection method: clinical testing. Allele origin: germline.

Labcorp Genetics (formerly Invitae), Labcorp
Classification: Uncertain significance. Last evaluated: 2021-09-21. Review status: criteria provided, single submitter. Criteria: Invitae Variant Classification Sherloc (09022015). Collection method: clinical testing. Allele origin: germline.
Comment: In summary, the available evidence is currently insufficient to determine the role of this variant in disease. Therefore, it has been classified as a Variant of Uncertain Significance. Algorithms developed to predict the effect of missense changes on protein structure and function (SIFT, PolyPhen-2, Align-GVGD) all suggest that this variant is likely to be tolerated. This variant has not been reported in the literature in individuals affected with KCNJ13-related conditions. This variant is present in population databases (rs760027526, ExAC 0.01%). This sequence change replaces isoleucine with valine at codon 98 of the KCNJ13 protein (p.Ile98Val). The isoleucine residue is moderately conserved and there is a small physicochemical difference between isoleucine and valine.